The following is an entry in ClinVar:

ClinVar aggregate classification (germline): Uncertain significance (1 of 4 stars; one submission).

Conditions:
Hereditary cancer-predisposing syndrome. Also called: Tumor predisposition; Hereditary Cancer Syndrome; Hereditary neoplastic syndrome; Neoplastic Syndromes, Hereditary. Identifiers: Orphanet 140162, MedGen C0027672, MeSH D009386, MONDO:0015356.

Submission:

Ambry Genetics
Classification: Uncertain significance for Hereditary cancer-predisposing syndrome. Last evaluated: 2024-04-25. Review status: criteria provided, single submitter. Criteria: Ambry Variant Classification Scheme 2023. Collection method: clinical testing. Allele origin: germline.
Comment: The p.K120N variant (also known as c.360G>C), located in coding exon 1 of the MEN1 gene, results from a G to C substitution at nucleotide position 360. The lysine at codon 120 is replaced by asparagine, an amino acid with similar properties. This amino acid position is conserved. In addition, the in silico prediction for this alteration is inconclusive. Based on the available evidence, the clinical significance of this variant remains unclear.

NM_001370259.2(MEN1):c.360G>C (p.Lys120Asn)

Gene: MEN1 (menin 1; minus strand). Cytogenetic location: 11q13.1.
Variant type: single nucleotide variant.
Coding change: c.360G>C on transcript NM_001370259.2 (MANE Select); coding-DNA position 360, G replaced by C.
Protein change: p.Lys120Asn; replaces lysine 120 with asparagine.
Molecular consequence: missense variant. On other transcripts: non-coding transcript variant (4).
Genome position (GRCh38, 1-based): chr11:64,809,750, C>G on the plus strand (G>C on the coding strand, the complement: MEN1 is on the minus strand). VCF-style: chr11-64809750-C-G. GRCh37 (hg19) VCF-style: chr11-64577222-C-G.
Other names: c.360G>C, p.Lys120Asn (NM_000244.4, NM_001370251.2, NM_001370260.2 and 20 more transcripts); short protein forms K120N.
Identifiers: ClinVar variation 3294213 (VCV003294213.1).